The following is an entry in ClinVar:

ClinVar aggregate classification (germline): Uncertain significance. Review status: criteria provided, multiple submitters, no conflicts (2 of 4 stars). 3 submissions from 3 submitters: Uncertain significance (3). Last evaluated 2026-07-02.

Conditions:
Hereditary cancer-predisposing syndrome. Also called: Neoplastic Syndromes, Hereditary; Hereditary Cancer Syndrome; Tumor predisposition; Hereditary neoplastic syndrome. Identifiers: Orphanet 140162, MedGen C0027672, MeSH D009386, MONDO:0015356.
Familial adenomatous polyposis 1 (FAP1). Also called: FAMILIAL ADENOMATOUS POLYPOSIS 1, ATTENUATED; POLYPOSIS, ADENOMATOUS INTESTINAL. Identifiers: MedGen C2713442, MONDO:0021056, OMIM 175100. Disease mechanism: loss of function.

Submissions (3):

Ambry Genetics
Classification: Uncertain significance for Hereditary cancer-predisposing syndrome. Last evaluated: 2026-07-02. Review status: criteria provided, single submitter. Criteria: Ambry Variant Classification Scheme 2023. Collection method: clinical testing. Allele origin: germline.
Comment: The p.F994L variant (also known as c.2980T>C), located in coding exon 15 of the APC gene, results from a T to C substitution at nucleotide position 2980. The phenylalanine at codon 994 is replaced by leucine, an amino acid with highly similar properties. This amino acid position is conserved. In addition, in silico predictors for this gene do not accurately predict pathogenicity. Based on the available evidence, the clinical significance of this variant remains unclear.

Blueprint Genetics
Classification: Uncertain significance. Last evaluated: 2021-11-11. Review status: criteria provided, single submitter. Criteria: ACMG Guidelines, 2015. Collection method: clinical testing. Allele origin: germline.

Labcorp Genetics (formerly Invitae), Labcorp
Classification: Uncertain significance for Familial adenomatous polyposis 1. Last evaluated: 2019-11-11. Review status: criteria provided, single submitter. Criteria: Invitae Variant Classification Sherloc (09022015). Collection method: clinical testing. Allele origin: germline.
Comment: In summary, the available evidence is currently insufficient to determine the role of this variant in disease. Therefore, it has been classified as a Variant of Uncertain Significance. This sequence change replaces phenylalanine with leucine at codon 994 of the APC protein (p.Phe994Leu). The phenylalanine residue is highly conserved and there is a small physicochemical difference between phenylalanine and leucine. This variant is not present in population databases (ExAC no frequency). This variant has not been reported in the literature in individuals with APC-related conditions. Algorithms developed to predict the effect of missense changes on protein structure and function (SIFT, PolyPhen-2, Align-GVGD) all suggest that this variant is likely to be tolerated, but these predictions have not been confirmed by published functional studies and their clinical significance is uncertain.

NM_000038.6(APC):c.2980T>C (p.Phe994Leu)

Gene: APC (APC regulator of Wnt signaling pathway; plus strand). Cytogenetic location: 5q22.2.
Variant type: single nucleotide variant.
Coding change: c.2980T>C on transcript NM_000038.6 (MANE Select); coding-DNA position 2980, T replaced by C.
Protein change: p.Phe994Leu; replaces phenylalanine 994 with leucine.
Molecular consequence: missense variant.
Genome position (GRCh38, 1-based): chr5:112,838,574, T>C. VCF-style: chr5-112838574-T-C. GRCh37 (hg19) VCF-style: chr5-112174271-T-C.
Other names: c.2980T>C, p.Phe994Leu (NM_001127510.3, NM_001354895.2); c.2926T>C, p.Phe976Leu (NM_001127511.3); c.3034T>C, p.Phe1012Leu (NM_001354896.2); c.3010T>C, p.Phe1004Leu (NM_001354897.2); c.2905T>C, p.Phe969Leu (NM_001354898.2); c.2896T>C, p.Phe966Leu (NM_001354899.2); c.2857T>C, p.Phe953Leu (NM_001354900.2); c.2803T>C, p.Phe935Leu (NM_001354901.2); and 5 more; short protein forms F1012L, F903L, F976L, F711L, F834L, F953L, F1004L, F966L.
Identifiers: ClinVar variation 935497 (VCV000935497.13), dbSNP rs1765309886, ClinGen allele CA16027847.